The following is an entry in ClinVar:

NM_001375808.2(LPIN2):c.1489G>A (p.Glu497Lys)

Gene: LPIN2 (lipin 2; minus strand). Cytogenetic location: 18p11.31.
Variant type: single nucleotide variant.
Coding change: c.1489G>A on transcript NM_001375808.2 (MANE Select); coding-DNA position 1489, G replaced by A.
Protein change: p.Glu497Lys; replaces glutamic acid 497 with lysine.
Molecular consequence: missense variant.
Genome position (GRCh38, 1-based): chr18:2,929,126, C>T on the plus strand (G>A on the coding strand, the complement: LPIN2 is on the minus strand). VCF-style: chr18-2929126-C-T. GRCh37 (hg19) VCF-style: chr18-2929124-C-T.
Other names: c.1489G>A, p.Glu497Lys (NM_001375809.1, NM_014646.2); short protein forms E497K.
Identifiers: ClinVar variation 234335 (VCV000234335.16), dbSNP rs201325845, ClinGen allele CA8873078.
Genomic context (GRCh38, chr18:2,929,126, plus strand): 5'-GATTATATATCCTTATTACAAGGTTAGGATTGTCTATAAGTCCAGGGTTTTCTGCAAATT[C>T]GTGATAAGTAATGATATGCTCCATGAATTTTTCTGCAATGTAAAATAATAATCAATTTGG-3'
Protein context (NP_001362737.1, residues 487-507): KFMEHIITYH[Glu497Lys]FAENPGLIDN

ClinVar aggregate classification (germline): Conflicting classifications of pathogenicity. Review status: criteria provided, conflicting classifications (1 of 4 stars). 3 submissions from 3 submitters: Uncertain significance (2); Likely benign (1). Last evaluated 2025-12-19.

Conditions:
Majeed syndrome (MJDS). Also called: LPIN2-Related Majeed Syndrome; CHRONIC RECURRENT MULTIFOCAL OSTEOMYELITIS 1, WITH CONGENITAL DYSERYTHROPOIETIC ANEMIA, WITH OR WITHOUT NEUTROPHILIC DERMATOSIS. Identifiers: Orphanet 77297, MedGen C1864997, MONDO:0012316, OMIM 609628.
Autoinflammatory syndrome. Identifiers: Orphanet 93665, MedGen C3890737, MONDO:0019751.

Allele frequency attached by ClinVar (database versions not stated): gnomAD 0.00002 and 0.00013; TOPMed 0.00002; gnomAD exomes 0.00033; ExAC 0.00040; 1000 Genomes Project 30x 0.00062; 1000 Genomes Project 0.00080.
gnomAD v4.1: 254 of 1,607,744 alleles (0.016%); highest among the groups gnomAD compares: South Asian, 0.25%; 1 homozygote.

Submissions (3):

Labcorp Genetics (formerly Invitae), Labcorp
Classification: Likely benign for Majeed syndrome. Last evaluated: 2025-12-19. Review status: criteria provided, single submitter. Criteria: Invitae Variant Classification Sherloc (09022015). Collection method: clinical testing. Allele origin: germline.

Genome Diagnostics Laboratory, The Hospital for Sick Children
Classification: Uncertain significance for Autoinflammatory syndrome. Last evaluated: 2022-01-17. Review status: criteria provided, single submitter. Criteria: ACMG Guidelines, 2015. Collection method: clinical testing. Allele origin: germline. Affected: yes.

GeneDx
Classification: Uncertain significance. Last evaluated: 2014-06-21. Review status: criteria provided, single submitter. Criteria: GeneDx Variant Classification (06012015). Collection method: clinical testing. Allele origin: germline. Affected: yes.
Comment: The E497K variant has not been published as a mutation, nor has it been reported as a benign polymorphism to our knowledge. The E497K variant was not observed in approximately 6,500 individuals of European and African American ancestry in the NHLBI Exome Sequencing Project, indicating it is not a common benign variant in these populations. The E497K variant is a non-conservative amino acid substitution, which is likely to impact secondary protein structure as these residues differ in polarity, charge, size and/or other properties. This substitution occurs at a position that is highly conserved across species. Therefore, based on the currently available information, it is unclear whether this variant is a pathogenic mutation or a rare benign variant.